The following is an entry in ClinVar:

NM_001042646.3(TRAK1):c.1125A>C (p.Ala375=)

Gene: TRAK1 (trafficking kinesin protein 1; plus strand). Cytogenetic location: 3p22.1.
Variant type: single nucleotide variant.
Coding change: c.1125A>C on transcript NM_001042646.3 (MANE Select); coding-DNA position 1125, A replaced by C.
Protein change: p.Ala375=; no amino-acid change (alanine 375 retained).
Molecular consequence: synonymous variant. On other transcripts: non-coding transcript variant (1).
Genome position (GRCh38, 1-based): chr3:42,199,188, A>C. VCF-style: chr3-42199188-A-C. GRCh37 (hg19) VCF-style: chr3-42240680-A-C.
Other names: c.1125A>C, p.Ala375= (NM_001349247.2, NM_001265608.2, NM_001349246.2); c.903A>C, p.Ala301= (NM_001349248.1, NM_001349249.1, NM_001265609.2 and 1 more transcripts); c.951A>C, p.Ala317= (NM_001410741.1, NM_014965.5); c.813A>C, p.Ala271= (NM_001349245.1).
Identifiers: ClinVar variation 4823438 (VCV004823438.4).

ClinVar aggregate classification (germline): Likely benign (1 of 4 stars; one submission).

Submission:

CeGaT Center for Human Genetics Tuebingen
Classification: Likely benign. Last evaluated: 2026-02-01. Review status: criteria provided, single submitter. Criteria: CeGaT Center For Human Genetics Tuebingen Variant Classification Criteria Version 2. Collection method: clinical testing. Allele origin: germline. Affected: yes. Observed: 1 variant allele.
Comment: TRAK1: PM2:Supporting, BP4, BP7